The following is an entry in ClinVar:

ClinVar aggregate classification (germline): Likely pathogenic (1 of 4 stars; one submission).

Conditions:
Autosomal dominant distal renal tubular acidosis (DRTA1). Also called: RENAL TUBULAR ACIDOSIS, DISTAL, 1; Renal Tubular Acidosis, Type I; RTA, CLASSIC TYPE; RTA, DISTAL TYPE, AUTOSOMAL DOMINANT; RTA, GRADIENT TYPE. Identifiers: Orphanet 93608, MedGen CN280572, MONDO:0008368, OMIM 179800.
Renal tubular acidosis, distal, 4, with hemolytic anemia. Also called: Renal Tubular Acidosis, Distal, with Hemolytic Anemia. Identifiers: Orphanet 93610, MedGen C5436235, MONDO:0012700, OMIM 611590.
Malaria, susceptibility to. Identifiers: Orphanet 673, MedGen C1970028, MONDO:0021024, OMIM 611162.
BLOOD GROUP--SWANN SYSTEM (SW). Also called: SWANN BLOOD GROUP. Identifiers: MedGen C1832169, OMIM 601550.
BLOOD GROUP, WALDNER (WD). Also called: WALDNER BLOOD GROUP ANTIGEN. Identifiers: MedGen C1862191, OMIM 112010.
BLOOD GROUP--FROESE (FR). Also called: FROESE BLOOD GROUP ANTIGEN. Identifiers: MedGen C1832168, OMIM 601551.
BLOOD GROUP--WRIGHT ANTIGEN (WR). Identifiers: MedGen C1862190, OMIM 112050.
BLOOD GROUP--DIEGO SYSTEM (DI). Identifiers: MedGen C1292286, OMIM 110500.
Southeast Asian ovalocytosis. Also called: Elliptocytosis 4; HE, STOMATOCYTIC; Stomatocytic elliptocytosis, hereditary; Ovalocytosis, Malaysian-Melanesian-Filipino type. Identifiers: Orphanet 98868, MedGen C1862322, MONDO:0008165, OMIM 166900.
Hereditary spherocytosis type 4. Also called: SLC4A1-Related Spherocytosis. Identifiers: Orphanet 822, MedGen C2675212, MONDO:0012981, OMIM 612653.
Cryohydrocytosis. Also called: Hereditary cryohydrocytosis with normal stomatin; STOMATOCYTOSIS, COLD-SENSITIVE; CRYOHYDROCYTOSIS DUE TO BAND 3 HEMEL; CRYOHYDROCYTOSIS DUE TO BAND 3 HURSTPIERPOINT; CRYOHYDROCYTOSIS DUE TO BAND 3 BLACKBURN. Identifiers: Orphanet 398088, MedGen C1861453, MONDO:0008494, OMIM 185020.

Submission:

Juno Genomics, Hangzhou Juno Genomics, Inc
Classification: Likely pathogenic for BLOOD GROUP--DIEGO SYSTEM; BLOOD GROUP--FROESE; BLOOD GROUP--SWANN SYSTEM; BLOOD GROUP, WALDNER; BLOOD GROUP--WRIGHT ANTIGEN; Malaria, susceptibility to; Cryohydrocytosis; Autosomal dominant distal renal tubular acidosis; Renal tubular acidosis, distal, 4, with hemolytic anemia; Southeast Asian ovalocytosis; Hereditary spherocytosis type 4. Review status: criteria provided, single submitter. Criteria: ACMG Guidelines, 2015. Collection method: clinical testing. Allele origin: germline.
Comment: Null variant in a gene where loss of function (LOF) is a known mechanism of disease.;Absent from controls (or at extremely low frequency if recessive) in Genome Aggregation Database.

NM_000342.4(SLC4A1):c.674_675del (p.Glu225fs)

Gene: SLC4A1 (solute carrier family 4 member 1 (Diego blood group); minus strand). Cytogenetic location: 17q21.31.
Variant type: Microsatellite.
Coding change: c.674_675del on transcript NM_000342.4 (MANE Select); coding-DNA positions 674 to 675, 2 bases deleted (AG; older notation c.674_675delAG).
Protein change: p.Glu225fs; shifts the reading frame from glutamic acid 225.
Molecular consequence: frameshift variant.
Genome position (GRCh38, 1-based): chr17:44,259,516-44,259,517, CT deleted on the plus strand (AG on the coding strand, the reverse complement: SLC4A1 is on the minus strand); deleting any 2 consecutive bases within chr17:44,259,516-44,259,519 gives the same sequence; the c. name uses the placement nearest the transcript's 3' end. VCF-style (leftmost placement, unchanged base first): chr17-44259515-CCT-C. GRCh37 (hg19) VCF-style: chr17-42336883-CCT-C.
Other names: short protein forms E225fs.
Identifiers: ClinVar variation 5005764 (VCV005005764.2).
Genomic context (GRCh38, chr17:44,259,515, plus strand): 5'-CGAGGGGTGTGGAGGGCTGAGGGTAGAGATGCCTGTTCTTACCCACTAGCACCAACGTGG[CCT>C]CTGAATCCGGGGGAATCTTTTCCAGAATTCCAGATGGTGAGTGCCCTTCTGTGCCCCCAT-3'